The following is an entry in ClinVar:

NM_032119.4(ADGRV1):c.16204G>A (p.Glu5402Lys)

Gene: ADGRV1 (adhesion G protein-coupled receptor V1; plus strand). Cytogenetic location: 5q14.3.
Variant type: single nucleotide variant.
Coding change: c.16204G>A on transcript NM_032119.4 (MANE Select); coding-DNA position 16204, G replaced by A.
Protein change: p.Glu5402Lys; replaces glutamic acid 5402 with lysine.
Molecular consequence: missense variant. On other transcripts: non-coding transcript variant (1).
Genome position (GRCh38, 1-based): chr5:90,823,432, G>A. VCF-style: chr5-90823432-G-A. GRCh37 (hg19) VCF-style: chr5-90119249-G-A.
Other names: short protein forms E5402K.
Identifiers: ClinVar variation 3771946 (VCV003771946.13).

ClinVar aggregate classification (germline): Uncertain significance (1 of 4 stars; one submission).

Submission:

CeGaT Center for Human Genetics Tuebingen
Classification: Uncertain significance. Last evaluated: 2025-02-01. Review status: criteria provided, single submitter. Criteria: CeGaT Center For Human Genetics Tuebingen Variant Classification Criteria Version 2. Collection method: clinical testing. Allele origin: germline. Affected: yes. Observed: 1 variant allele.
Comment: ADGRV1: PM2